The following is an entry in ClinVar:

ClinVar aggregate classification (germline): Uncertain significance (1 of 4 stars; one submission).

Conditions:
Charcot-Marie-Tooth disease axonal type 2Z. Also called: CHARCOT-MARIE-TOOTH DISEASE, AXONAL, AUTOSOMAL DOMINANT, TYPE 2Z; CHARCOT-MARIE-TOOTH NEUROPATHY, TYPE 2Z. Identifiers: Orphanet 466768, MedGen C5569025, MONDO:0014736, OMIM 616688.

Allele frequency attached by ClinVar (database versions not stated): gnomAD 0.00001; TOPMed below 0.00001.

Submission:

Labcorp Genetics (formerly Invitae), Labcorp
Classification: Uncertain significance for Charcot-Marie-Tooth disease axonal type 2Z. Last evaluated: 2025-02-24. Review status: criteria provided, single submitter. Criteria: Invitae Variant Classification Sherloc (09022015). Collection method: clinical testing. Allele origin: germline.
Comment: This sequence change creates a premature translational stop signal (p.Gln511*) in the MORC2 gene. It is expected to result in an absent or disrupted protein product. However, the current clinical and genetic evidence is not sufficient to establish whether loss-of-function variants in MORC2 cause disease. This variant is not present in population databases (gnomAD no frequency). This variant has not been reported in the literature in individuals affected with MORC2-related conditions. ClinVar contains an entry for this variant (Variation ID: 2024018). In summary, the available evidence is currently insufficient to determine the role of this variant in disease. Therefore, it has been classified as a Variant of Uncertain Significance.

NM_001303256.3(MORC2):c.1531C>T (p.Gln511Ter)

Gene: MORC2 (MORC family CW-type zinc finger 2; minus strand). Cytogenetic location: 22q12.2.
Variant type: single nucleotide variant.
Coding change: c.1531C>T on transcript NM_001303256.3 (MANE Select); coding-DNA position 1531, C replaced by T.
Protein change: p.Gln511Ter; replaces glutamine 511 with a stop codon.
Molecular consequence: nonsense.
Genome position (GRCh38, 1-based): chr22:30,937,005, G>A on the plus strand (C>T on the coding strand, the complement: MORC2 is on the minus strand). VCF-style: chr22-30937005-G-A. GRCh37 (hg19) VCF-style: chr22-31332992-G-A.
Other names: c.1531C>T, p.Gln511Ter (NM_001303257.2); c.1345C>T, p.Gln449Ter (NM_014941.3); short protein forms Q449*, Q511*.
Identifiers: ClinVar variation 2024018 (VCV002024018.4), dbSNP rs1173395818, ClinGen allele CA411237558.